The following is an entry in ClinVar:

NM_014915.3(ANKRD26):c.587A>G (p.Glu196Gly)

Gene: ANKRD26 (ankyrin repeat domain containing 26; minus strand). Cytogenetic location: 10p12.1.
Variant type: single nucleotide variant.
Coding change: c.587A>G on transcript NM_014915.3 (MANE Select); coding-DNA position 587, A replaced by G.
Protein change: p.Glu196Gly; replaces glutamic acid 196 with glycine.
Molecular consequence: missense variant.
Genome position (GRCh38, 1-based): chr10:27,092,457, T>C on the plus strand (A>G on the coding strand, the complement: ANKRD26 is on the minus strand). VCF-style: chr10-27092457-T-C. GRCh37 (hg19) VCF-style: chr10-27381386-T-C.
Other names: c.587A>G, p.Glu196Gly (NM_001256053.2); short protein forms E196G.
Identifiers: ClinVar variation 4104724 (VCV004104724.1).

ClinVar aggregate classification (germline): Uncertain significance (1 of 4 stars; one submission).

Conditions:
Inborn genetic diseases. Identifiers: MedGen C0950123, MeSH D030342.

Submission:

Ambry Genetics
Classification: Uncertain significance for Inborn genetic diseases. Last evaluated: 2025-09-04. Review status: criteria provided, single submitter. Criteria: Ambry Variant Classification Scheme 2023. Collection method: clinical testing. Allele origin: germline.
Comment: The p.E196G variant (also known as c.587A>G), located in coding exon 4 of the ANKRD26 gene, results from an A to G substitution at nucleotide position 587. The glutamic acid at codon 196 is replaced by glycine, an amino acid with similar properties. This amino acid position is conserved. In addition, this alteration is predicted to be tolerated by in silico analysis. Based on the available evidence, the clinical significance of this variant remains unclear.